The following is an entry in ClinVar:

ClinVar aggregate classification (germline): Benign/Likely benign. Review status: criteria provided, multiple submitters, no conflicts (2 of 4 stars). 2 submissions from 2 submitters: Benign (1); Likely benign (1). Last evaluated 2026-01-28.

Conditions:
Glycogen storage disease type III (GSD3). Also called: Cori disease; FORBES DISEASE. Identifiers: Orphanet 366, MedGen C0017922, MONDO:0009291, OMIM 232400.

Allele frequency attached by ClinVar (database versions not stated): gnomAD 0.00004 and 0.00021; TOPMed 0.00007; ESP Exome Variant Server 0.00015; gnomAD exomes 0.00054 and 0.00105; ExAC 0.00108; 1000 Genomes Project 30x 0.00109; 1000 Genomes Project 0.00120.
gnomAD v4.1: 816 of 1,613,756 alleles (0.051%); highest among the groups gnomAD compares: South Asian, 0.82%; 16 homozygotes.

Submissions (3):

Labcorp Genetics (formerly Invitae), Labcorp
Classification: Benign for Glycogen storage disease type III. Last evaluated: 2026-01-28. Review status: criteria provided, single submitter. Criteria: Invitae Variant Classification Sherloc (09022015). Collection method: clinical testing. Allele origin: germline.

CeGaT Center for Human Genetics Tuebingen
Classification: Likely benign. Last evaluated: 2024-07-01. Review status: criteria provided, single submitter. Criteria: CeGaT Center For Human Genetics Tuebingen Variant Classification Criteria Version 2. Collection method: clinical testing. Allele origin: germline. Affected: yes. Observed: 1 variant allele.
Comment: AGL: PP3, BS2

Dr. Peter K. Rogan Lab, Western University
No classification provided (evidence only). Condition: Sarcoma. Review status: no classification provided. Collection method: in vitro. Allele origin: not applicable. Functional consequence: retained intron. Not counted in ClinVar's aggregate classification.

NM_000642.3(AGL):c.2280C>T (p.Ser760=)

Gene: AGL (amylo-alpha-1,6-glucosidase and 4-alpha-glucanotransferase; plus strand). Cytogenetic location: 1p21.2.
Variant type: single nucleotide variant.
Coding change: c.2280C>T on transcript NM_000642.3 (MANE Select); coding-DNA position 2280, C replaced by T.
Protein change: p.Ser760=; no amino-acid change (serine 760 retained).
Molecular consequence: synonymous variant.
Genome position (GRCh38, 1-based): chr1:99,881,663, C>T. VCF-style: chr1-99881663-C-T. GRCh37 (hg19) VCF-style: chr1-100347219-C-T.
Other names: c.2280C>T, p.Ser760= (NM_000028.3, NM_000643.3, NM_000644.3 and 2 more transcripts); c.2232C>T, p.Ser744= (NM_000646.3); c.2079C>T, p.Ser693= (NM_001425327.1); c.2076C>T, p.Ser692= (NM_001425328.1, NM_001425329.1); c.1902C>T, p.Ser634= (NM_001425332.1).
Identifiers: ClinVar variation 456469 (VCV000456469.30), dbSNP rs373513564, ClinGen allele CA966731.